The following is an entry in ClinVar:

NM_000548.5(TSC2):c.4131G>C (p.Gln1377His)

Gene: TSC2 (TSC complex subunit 2; plus strand). Cytogenetic location: 16p13.3.
Variant type: single nucleotide variant.
Coding change: c.4131G>C on transcript NM_000548.5 (MANE Select); coding-DNA position 4131, G replaced by C.
Protein change: p.Gln1377His; replaces glutamine 1377 with histidine.
Molecular consequence: missense variant. On other transcripts: non-coding transcript variant (5).
Genome position (GRCh38, 1-based): chr16:2,084,353, G>C. VCF-style: chr16-2084353-G-C. GRCh37 (hg19) VCF-style: chr16-2134354-G-C.
Other names: c.3930G>C, p.Gln1310His (NM_001077183.3); c.4062G>C, p.Gln1354His (NM_001114382.3); c.3822G>C, p.Gln1274His (NM_001318827.2); c.3786G>C, p.Gln1262His (NM_001318829.2); c.3399G>C, p.Gln1133His (NM_001318831.2); c.3963G>C, p.Gln1321His (NM_001318832.2); c.3933G>C, p.Gln1311His (NM_001363528.2); c.3999G>C, p.Gln1333His (NM_001370404.1); and 26 more; short protein forms Q1110H, Q1154H, Q1157H, Q1262H, Q1291H, Q1306H, Q1321H, Q1333H.
Identifiers: ClinVar variation 2626417 (VCV002626417.2), dbSNP rs2544261790, ClinGen allele CA394299597.

ClinVar aggregate classification (germline): Uncertain significance (1 of 4 stars; one submission).

Conditions:
Hereditary cancer-predisposing syndrome. Also called: Tumor predisposition; Hereditary Cancer Syndrome; Hereditary neoplastic syndrome; Neoplastic Syndromes, Hereditary. Identifiers: Orphanet 140162, MedGen C0027672, MeSH D009386, MONDO:0015356.

Submission:

Ambry Genetics
Classification: Uncertain significance for Hereditary cancer-predisposing syndrome. Last evaluated: 2023-07-09. Review status: criteria provided, single submitter. Criteria: Ambry Variant Classification Scheme 2023. Collection method: clinical testing. Allele origin: germline.
Comment: The p.Q1377H variant (also known as c.4131G>C), located in coding exon 33 of the TSC2 gene, results from a G to C substitution at nucleotide position 4131. The glutamine at codon 1377 is replaced by histidine, an amino acid with highly similar properties. This amino acid position is conserved. In addition, the in silico prediction for this alteration is inconclusive. Since supporting evidence is limited at this time, the clinical significance of this alteration remains unclear.